The following is an entry in ClinVar:

ClinVar aggregate classification (germline): Uncertain significance (1 of 4 stars; one submission).

gnomAD v4.1: 2 of 985,526 alleles (0.0002%); highest among the groups gnomAD compares: East Asian, 0.023%; no homozygotes.

Submission:

GeneDx
Classification: Uncertain significance. Last evaluated: 2024-06-03. Review status: criteria provided, single submitter. Criteria: GeneDx Variant Classification Process June 2021. Collection method: clinical testing. Allele origin: germline. Affected: yes.
Comment: Nonsense variant predicted to result in protein truncation or nonsense mediated decay in a gene for which loss of function is a known mechanism of disease; Has not been previously published as pathogenic or benign to our knowledge; No data available from control populations to assess the frequency of this variant

NM_001289998.1(THPO):c.-302G>A

Gene: THPO (thrombopoietin; minus strand). Cytogenetic location: 3q27.1.
Variant type: single nucleotide variant.
Coding change: c.-302G>A on transcript NM_001289998.1; 302 bases upstream of the start codon, G replaced by A.
Molecular consequence: 5 prime UTR variant. On other transcripts: nonsense (1), intron variant (1).
Genome position (GRCh38, 1-based): chr3:184,378,231, C>T on the plus strand (G>A on the coding strand, the complement: THPO is on the minus strand). VCF-style: chr3-184378231-C-T. GRCh37 (hg19) VCF-style: chr3-184096019-C-T.
Other names: c.119G>A, p.Trp40Ter (NM_001290003.1); c.-302G>A (NM_001290022.1, NM_001290026.1, NM_001290027.1); c.-146+1360G>A (NM_001290028.1); short protein forms W40*.
Identifiers: ClinVar variation 3384470 (VCV003384470.1).